The following is an entry in ClinVar:

NM_000540.3(RYR1):c.8576C>G (p.Pro2859Arg)

Genes: RYR1 (ryanodine receptor 1; plus strand), LOC126862902 (BRD4-independent group 4 enhancer GRCh37_chr19:38995830-38997029; plus strand). Cytogenetic location: 19q13.2.
Variant type: single nucleotide variant.
Coding change: c.8576C>G on transcript NM_000540.3 (MANE Select); coding-DNA position 8576, C replaced by G.
Protein change: p.Pro2859Arg; replaces proline 2859 with arginine.
Molecular consequence: missense variant.
Genome position (GRCh38, 1-based): chr19:38,506,337, C>G. VCF-style: chr19-38506337-C-G. GRCh37 (hg19) VCF-style: chr19-38996977-C-G.
Other names: c.8576C>G, p.Pro2859Arg (NM_001042723.2); short protein forms P2859R.
Identifiers: ClinVar variation 2859252 (VCV002859252.3), dbSNP rs2145635843, ClinGen allele CA405679324.

ClinVar aggregate classification (germline): Uncertain significance (1 of 4 stars; one submission).

Conditions:
RYR1-related disorder. Also called: RYR1-related condition; RYR1-related disorders. Identifiers: MedGen CN239331.

Submission:

Labcorp Genetics (formerly Invitae), Labcorp
Classification: Uncertain significance for RYR1-related disorder. Last evaluated: 2023-04-25. Review status: criteria provided, single submitter. Criteria: Invitae Variant Classification Sherloc (09022015). Collection method: clinical testing. Allele origin: germline.
Comment: This sequence change replaces proline, which is neutral and non-polar, with arginine, which is basic and polar, at codon 2859 of the RYR1 protein (p.Pro2859Arg). This variant is not present in population databases (gnomAD no frequency). This variant has not been reported in the literature in individuals affected with RYR1-related conditions. Advanced modeling of protein sequence and biophysical properties (such as structural, functional, and spatial information, amino acid conservation, physicochemical variation, residue mobility, and thermodynamic stability) performed at Invitae indicates that this missense variant is expected to disrupt RYR1 protein function. In summary, the available evidence is currently insufficient to determine the role of this variant in disease. Therefore, it has been classified as a Variant of Uncertain Significance.